The following is an entry in ClinVar:

ClinVar aggregate classification (germline): Pathogenic/Likely pathogenic. Review status: criteria provided, multiple submitters, no conflicts (2 of 4 stars). 5 submissions from 5 submitters: Pathogenic (1); Likely pathogenic (4). Last evaluated 2025-01-21.

Conditions:
Hereditary nonpolyposis colorectal neoplasms. Identifiers: MedGen C0009405, MeSH D003123.
Lynch syndrome 4 (LYNCH4). Also called: Colorectal cancer, hereditary nonpolyposis, type 4; Hereditary non-polyposis colorectal cancer, type 4. Identifiers: Orphanet 144, MedGen C1838333, MONDO:0013699, OMIM 614337. Disease mechanism: loss of function.
Lynch syndrome. Identifiers: Orphanet 144, MedGen C4552100, MONDO:0005835. Disease mechanism: loss of function.
Hereditary cancer-predisposing syndrome. Also called: Neoplastic Syndromes, Hereditary; Tumor predisposition; Hereditary neoplastic syndrome; Hereditary Cancer Syndrome. Identifiers: Orphanet 140162, MedGen C0027672, MeSH D009386, MONDO:0015356.

Submissions (5):

Labcorp Genetics (formerly Invitae), Labcorp
Classification: Likely pathogenic for Hereditary nonpolyposis colorectal neoplasms. Last evaluated: 2025-01-21. Review status: criteria provided, single submitter. Criteria: Invitae Variant Classification Sherloc (09022015). Collection method: clinical testing. Allele origin: germline.
Comment: This sequence change affects a donor splice site in intron 6 of the PMS2 gene. It is expected to disrupt RNA splicing. Variants that disrupt the donor or acceptor splice site typically lead to a loss of protein function (PMID: 16199547), and loss-of-function variants in PMS2 are known to be pathogenic (PMID: 21376568, 24362816). This variant is not present in population databases (gnomAD no frequency). Disruption of this splice site has been observed in individual(s) with colorectal cancer and/or PMS2-related conditions (PMID: 16619239, 23629955; internal data). ClinVar contains an entry for this variant (Variation ID: 826800). Studies have shown that disruption of this splice site is associated with altered splicing resulting in multiple RNA products (PMID: 23629955; internal data). In summary, the currently available evidence indicates that the variant is pathogenic, but additional data are needed to prove that conclusively. Therefore, this variant has been classified as Likely Pathogenic.

All of Us Research Program, National Institutes of Health
Classification: Likely pathogenic for Lynch syndrome. Last evaluated: 2024-08-08. Review status: criteria provided, single submitter. Criteria: ACMG Guidelines, 2015. Collection method: clinical testing. Allele origin: germline. Inheritance: Autosomal dominant inheritance. Observed: 1 variant allele, 1 heterozygote.
Comment: The c.705+1G>A variant in the PMS2 gene is located at the canonical splice site of intron 6 and is predicted to inflict donor loss (SpliceAI delta score: 0.89), resulting in alternative splicing and disrupted protein product. Other variants disrupting the same splice region (c.705+2T>C, c.705+1G>T) have been reported in individuals with PMS2-related cancer (PMID: 23629955, 16619239, 18602922), and interpreted as likely pathogenic (ClinVar ID: 920690, 91364). Loss-of-function variants in the PMS2 gene are known to be pathogenic (PMID: 28514183, 25512458, 35223509). The variant has been reported in ClinVar (ID: 826800). The variant is absent in the general population according to gnomAD (v2.1.1 and v4.1). Therefore, the c.705+1G>A variant in the PMS2 gene has been classified as likely pathogenic.

This study involves interpretation of variants in research participants for the purpose of population health screening. Participant phenotype was not available at the time of variant classification. Additional details can be found in publication PMID: 35346344, PMCID: PMC8962531

Myriad Genetics, Inc.
Classification: Likely pathogenic for Lynch syndrome 4. Last evaluated: 2023-08-03. Review status: criteria provided, single submitter. Criteria: Myriad Autosomal Dominant, Autosomal Recessive and X-Linked Classification Criteria (2023). Collection method: clinical testing. Allele origin: unknown.
Comment: This variant is considered likely pathogenic. This variant occurs within a consensus splice junction and is predicted to result in abnormal mRNA splicing of either an out-of-frame exon or an in-frame exon necessary for protein stability and/or normal function.

Ambry Genetics
Classification: Pathogenic for Hereditary cancer-predisposing syndrome. Last evaluated: 2021-09-30. Review status: criteria provided, single submitter. Criteria: Ambry Variant Classification Scheme 2023. Collection method: clinical testing. Allele origin: germline.
Comment: The c.705+1G>A intronic variant results from a G to A substitution one nucleotide after coding exon 6 of the PMS2 gene. Alterations that disrupt the canonical splice site are expected to result in aberrant splicing. In silico splice site analysis predicts that this alteration will weaken the native splice donor site. The resulting transcript is predicted to be in-frame and is not expected to trigger nonsense-mediated mRNAdecay. RNA studies have demonstrated that this alteration results in abnormal splicing in the set of samples tested (Ambry internal data). The exact functional effect of the altered amino acid sequence is unknown; however, the impacted region is critical for protein function (Ambry internal data). This variant has been identified in probands whose Lynch syndrome-associated tumors demonstrated high microsatellite instability and/or loss of PMS2 expression by immunohistochemistry (Ambry internal data).This variant is considered to be rare based on population cohorts in the Genome Aggregation Database (gnomAD). Based on the supporting evidence, this alteration is interpreted as a disease-causing mutation.

Color Diagnostics, LLC DBA Color Health
Classification: Likely pathogenic for Hereditary cancer-predisposing syndrome. Last evaluated: 2020-12-21. Review status: criteria provided, single submitter. Criteria: ACMG Guidelines, 2015. Collection method: clinical testing. Allele origin: germline.
Comment: This variant causes a G to A nucleotide substitution at the +1 position of intron 6 of the PMS2 gene. Splice site prediction tools predict that this variant may have a significant impact on RNA splicing. To our knowledge, functional studies have not been reported for this variant nor has this variant been reported in individuals affected with hereditary cancer in the literature. However, two other variants at this splice site, c.702+1G>T and c.705+2T>C, have been observed in an individual affected with PMS2-deficient Lynch syndrome-associated cancer (PMID: 16619239, 18602922) and an individual suspected of constitutional mismatch repair deficiency syndrome (PMID: 23629955), respectively. An RNA study also has shown that c.705+2T>C produced aberrant mRNA transcripts that have in-frame deletions in the ATPase domain (PMID: 23629955). This variant has not been identified in the general population by the Genome Aggregation Database (gnomAD). Loss of PMS2 function is a known mechanism of disease. Based on the available evidence, this variant is classified as Likely Pathogenic.

Literature cited by the submitters: PubMed 16199547 (cited by Labcorp Genetics (formerly Invitae), Labcorp); PubMed 21376568 (cited by Labcorp Genetics (formerly Invitae), Labcorp); PubMed 24362816 (cited by Labcorp Genetics (formerly Invitae), Labcorp); PubMed 16619239 (cited by Labcorp Genetics (formerly Invitae), Labcorp and All of Us Research Program, National Institutes of Health); PubMed 23629955 (cited by Labcorp Genetics (formerly Invitae), Labcorp and All of Us Research Program, National Institutes of Health); PubMed 18602922 (cited by All of Us Research Program, National Institutes of Health); PubMed 25512458 (cited by All of Us Research Program, National Institutes of Health); PubMed 28514183 (cited by All of Us Research Program, National Institutes of Health); PubMed 35223509 (cited by All of Us Research Program, National Institutes of Health).

NM_000535.7(PMS2):c.705+1G>A

Gene: PMS2 (PMS1 homolog 2, mismatch repair system component; minus strand). Cytogenetic location: 7p22.1.
Variant type: single nucleotide variant.
Coding change: c.705+1G>A on transcript NM_000535.7 (MANE Select); the canonical splice donor site of the intron after coding-DNA position 705, G replaced by A.
Molecular consequence: splice donor variant. On other transcripts: intron variant (9).
Genome position (GRCh38, 1-based): chr7:5,999,107, C>T on the plus strand (G>A on the coding strand, the complement: PMS2 is on the minus strand). VCF-style: chr7-5999107-C-T. GRCh37 (hg19) VCF-style: chr7-6038738-C-T.
Other names: c.387+1G>A (NM_001322008.2, NM_001406902.1, NM_001406883.1 and 4 more transcripts); c.396+1G>A (NM_001406881.1, NM_001406879.1, NM_001322015.2 and 6 more transcripts); c.300+1G>A (NM_001406895.1, NM_001322010.2, NM_001322004.2 and 19 more transcripts); c.132+3346G>A (NM_001406911.1); c.192+109G>A (NM_001406904.1, NM_001406905.1); c.133-1684G>A (NM_001322013.2, NM_001406909.1); c.-229+1G>A (NM_001322012.2, NM_001322011.2); c.369+1G>A (NM_001406885.1); and 6 more.
Identifiers: ClinVar variation 826800 (VCV000826800.12), dbSNP rs267608147, ClinGen allele CA366743806.